The following is an entry in ClinVar:

NM_000211.5(ITGB2):c.1177A>G (p.Arg393Gly)

Gene: ITGB2 (integrin subunit beta 2; minus strand). Cytogenetic location: 21q22.3.
Variant type: single nucleotide variant.
Coding change: c.1177A>G on transcript NM_000211.5 (MANE Select); coding-DNA position 1177, A replaced by G.
Protein change: p.Arg393Gly; replaces arginine 393 with glycine.
Molecular consequence: missense variant.
Genome position (GRCh38, 1-based): chr21:44,893,451, T>C on the plus strand (A>G on the coding strand, the complement: ITGB2 is on the minus strand). VCF-style: chr21-44893451-T-C. GRCh37 (hg19) VCF-style: chr21-46313366-T-C.
Other names: c.1177A>G, p.Arg393Gly (NM_001127491.3); c.970A>G, p.Arg324Gly (NM_001303238.2); c.1177A>G (NM_000211.3); short protein forms R393G, R324G.
Identifiers: ClinVar variation 1351850 (VCV001351850.7), dbSNP rs2083819691, ClinGen allele CA410485786.
Genomic context (GRCh38, chr21:44,893,451, plus strand): 5'-TGGCCAGGCTCACCGGGACATTGATCTGCACGCCATCACAGTCACCTCTGGGCTGGTTCC[T>C]GTGCGTCACTCCATTGCTGCAGAAGGAGTCGTAGGTGACTTTCAGGGTGTCGGGGAGGGC-3'
Protein context (NP_000202.3, residues 383-403): DSFCSNGVTH[Arg393Gly]NQPRGDCDGV

ClinVar aggregate classification (germline): Uncertain significance. Review status: criteria provided, multiple submitters, no conflicts (2 of 4 stars). 2 submissions from 2 submitters: Uncertain significance (2). Last evaluated 2025-10-06.

Conditions:
Inborn genetic diseases. Identifiers: MedGen C0950123, MeSH D030342.
Leukocyte adhesion deficiency 1 (LAD1). Also called: LAD 1; Lymphocyte function-associated antigen 1 immunodeficiency; LFA 1 immunodeficiency; LEUKOCYTE ADHESION DEFICIENCY, TYPE I. Identifiers: Orphanet 2968, Orphanet 99842, MedGen C0398738, MONDO:0007293, OMIM 116920.

Submissions (2):

Labcorp Genetics (formerly Invitae), Labcorp
Classification: Uncertain significance for Leukocyte adhesion deficiency 1. Last evaluated: 2025-10-06. Review status: criteria provided, single submitter. Criteria: Invitae Variant Classification Sherloc (09022015). Collection method: clinical testing. Allele origin: germline.
Comment: This sequence change replaces arginine, which is basic and polar, with glycine, which is neutral and non-polar, at codon 393 of the ITGB2 protein (p.Arg393Gly). This variant is not present in population databases (gnomAD no frequency). This variant has not been reported in the literature in individuals affected with ITGB2-related conditions. ClinVar contains an entry for this variant (Variation ID: 1351850). Invitae Evidence Modeling of protein sequence and biophysical properties (such as structural, functional, and spatial information, amino acid conservation, physicochemical variation, residue mobility, and thermodynamic stability) has been performed for this missense variant. However, the output from this modeling did not meet the statistical confidence thresholds required to predict the impact of this variant on ITGB2 protein function. In summary, the available evidence is currently insufficient to determine the role of this variant in disease. Therefore, it has been classified as a Variant of Uncertain Significance.

Ambry Genetics
Classification: Uncertain significance for Inborn genetic diseases. Last evaluated: 2025-08-11. Review status: criteria provided, single submitter. Criteria: Ambry Variant Classification Scheme 2023. Collection method: clinical testing. Allele origin: germline.